The following is an entry in ClinVar:

ClinVar aggregate classification (germline): Likely benign. Review status: reviewed by expert panel (3 of 4 stars). 2 submissions from 2 submitters: Likely benign (1). 1 of the submissions does not count toward it. Last evaluated 2026-05-04.

Conditions:
Hereditary thrombocytopenia and hematological cancer predisposition syndrome associated with RUNX1. Also called: Familial Platelet Disorder with Propensity to Acute Myelogenous Leukemia; Familial thrombocytopenia with propensity to acute myelogenous leukemia; PLATELET DISORDER, ASPIRIN-LIKE; RUNX1 Familial Platelet Disorder with Associated Myeloid Malignancies. Identifiers: Orphanet 71290, MedGen C1832388, MeSH C563324, MONDO:0100083, OMIM 601399.
Hereditary thrombocytopenia and hematologic cancer predisposition syndrome. Identifiers: Orphanet 71290, MedGen CN281654, MONDO:0011071.

Submissions (2):

ClinGen Myeloid Malignancy Variant Curation Expert Panel
Classification: Likely benign for Hereditary thrombocytopenia and hematologic cancer predisposition syndrome. Last evaluated: 2026-05-04. Review status: reviewed by expert panel. Criteria: ClinGen MyeloMalig ACMG Specifications V3.1. Collection method: curation. Allele origin: germline. Inheritance: Autosomal dominant inheritance.
Comment: NM_001754.5(RUNX1):c.612A>G (p.Arg204=) is a synonymous variant which has a SpliceAI score ≤ 0.20 (0.01) (BP4, BP7). This variant is completely absent from all population databases with at least 20x coverage for RUNX1 (PM2_supporting). In summary, this variant meets criteria to be classified as likely benign. ACMG/AMP criteria applied, as specified by the Myeloid Malignancy Variant Curation Expert Panel for RUNX1: BP4, BP7, PM2_supporting.

Labcorp Genetics (formerly Invitae), Labcorp
Classification: Uncertain significance for Hereditary thrombocytopenia and hematological cancer predisposition syndrome associated with RUNX1. Last evaluated: 2023-08-08. Review status: criteria provided, single submitter. Criteria: Invitae Variant Classification Sherloc (09022015). Collection method: clinical testing. Allele origin: germline. Not counted in ClinVar's aggregate classification.
Comment: Algorithms developed to predict the effect of sequence changes on RNA splicing suggest that this variant is not likely to affect RNA splicing. In summary, the available evidence is currently insufficient to determine the role of this variant in disease. Therefore, it has been classified as a Variant of Uncertain Significance. This variant has not been reported in the literature in individuals affected with RUNX1-related conditions. This variant is not present in population databases (gnomAD no frequency). This sequence change affects codon 204 of the RUNX1 mRNA. It is a 'silent' change, meaning that it does not change the encoded amino acid sequence of the RUNX1 protein. It affects a nucleotide within the consensus splice site.

NM_001754.5(RUNX1):c.612A>G (p.Arg204=)

Genes: RUNX1 (RUNX family transcription factor 1; minus strand), RUNX1-AS1 (RUNX1 antisense RNA 1; plus strand). Cytogenetic location: 21q22.12.
Variant type: single nucleotide variant.
Coding change: c.612A>G on transcript NM_001754.5 (MANE Select); coding-DNA position 612, A replaced by G.
Protein change: p.Arg204=; no amino-acid change (arginine 204 retained).
Molecular consequence: synonymous variant.
Genome position (GRCh38, 1-based): chr21:34,859,475, T>C on the plus strand (A>G on the coding strand, the complement: RUNX1 is on the minus strand). VCF-style: chr21-34859475-T-C. GRCh37 (hg19) VCF-style: chr21-36231772-T-C.
Other names: NM_001754.5(RUNX1):c.612A>G; p.Arg204=; c.531A>G, p.Arg177= (NM_001001890.3, NM_001122607.2).
Identifiers: ClinVar variation 2751155 (VCV002751155.6), dbSNP rs2146234221, ClinGen allele CA512319058.